The following is an entry in ClinVar:

ClinVar aggregate classification (germline): Benign/Likely benign. Review status: criteria provided, multiple submitters, no conflicts (2 of 4 stars). 2 submissions from 2 submitters: Benign (1); Likely benign (1). Last evaluated 2025-10-08.

Conditions:
Familial adenomatous polyposis 1 (FAP1). Also called: POLYPOSIS, ADENOMATOUS INTESTINAL; FAMILIAL ADENOMATOUS POLYPOSIS 1, ATTENUATED. Identifiers: MedGen C2713442, MONDO:0021056, OMIM 175100. Disease mechanism: loss of function.

Submissions (2):

Labcorp Genetics (formerly Invitae), Labcorp
Classification: Likely benign for Familial adenomatous polyposis 1. Last evaluated: 2025-10-08. Review status: criteria provided, single submitter. Criteria: Invitae Variant Classification Sherloc (09022015). Collection method: clinical testing. Allele origin: germline.

Myriad Genetics, Inc.
Classification: Benign for Familial adenomatous polyposis 1. Last evaluated: 2024-03-28. Review status: criteria provided, single submitter. Criteria: Myriad Autosomal Dominant, Autosomal Recessive and X-Linked Classification Criteria (2023). Collection method: clinical testing. Allele origin: unknown.
Comment: This variant is considered benign. This variant is a silent/synonymous amino acid change and it is not expected to impact splicing.

NM_000038.6(APC):c.4995T>C (p.Pro1665=)

Gene: APC (APC regulator of Wnt signaling pathway; plus strand). Cytogenetic location: 5q22.2.
Variant type: single nucleotide variant.
Coding change: c.4995T>C on transcript NM_000038.6 (MANE Select); coding-DNA position 4995, T replaced by C.
Protein change: p.Pro1665=; no amino-acid change (proline 1665 retained).
Molecular consequence: synonymous variant. On other transcripts: non-coding transcript variant (2).
Genome position (GRCh38, 1-based): chr5:112,840,589, T>C. VCF-style: chr5-112840589-T-C. GRCh37 (hg19) VCF-style: chr5-112176286-T-C.
Other names: c.4995T>C, p.Pro1665= (NM_001127510.3, NM_001354895.2, NM_001407450.1); c.4941T>C, p.Pro1647= (NM_001127511.3); c.5049T>C, p.Pro1683= (NM_001354896.2, NM_001407447.1, NM_001407448.1 and 1 more transcripts); c.5025T>C, p.Pro1675= (NM_001354897.2); c.4920T>C, p.Pro1640= (NM_001354898.2); c.4911T>C, p.Pro1637= (NM_001354899.2); c.4872T>C, p.Pro1624= (NM_001354900.2); c.4818T>C, p.Pro1606= (NM_001354901.2, NM_001407453.1); and 11 more.
Identifiers: ClinVar variation 3148806 (VCV003148806.2), dbSNP rs2533613615, ClinGen allele CA446208746.